The following is an entry in ClinVar:

ClinVar aggregate classification (germline): Uncertain significance. Review status: criteria provided, multiple submitters, no conflicts (2 of 4 stars). 2 submissions from 2 submitters: Uncertain significance (2). Last evaluated 2024-04-12.

Conditions:
Familial hypokalemia-hypomagnesemia (GTLMNS). Also called: HYPOMAGNESEMIA-HYPOKALEMIA, PRIMARY RENOTUBULAR, WITH HYPOCALCIURIA; POTASSIUM AND MAGNESIUM DEPLETION; gitelman syndrome. Identifiers: Orphanet 358, MedGen C0268450, MONDO:0009904, OMIM 263800.

Allele frequency attached by ClinVar (database versions not stated): TOPMed 0.00003; gnomAD 0.00004; ExAC 0.00007; 1000 Genomes Project 30x 0.00031; 1000 Genomes Project 0.00040.
gnomAD v4.1: 25 of 1,606,354 alleles (0.0016%); highest among the groups gnomAD compares: Middle Eastern, 0.017%; no homozygotes.

Submissions (2):

Fulgent Genetics
Classification: Uncertain significance for Familial hypokalemia-hypomagnesemia. Last evaluated: 2024-04-12. Review status: criteria provided, single submitter. Criteria: ACMG Guidelines, 2015. Collection method: clinical testing. Allele origin: germline.

Labcorp Genetics (formerly Invitae), Labcorp
Classification: Uncertain significance. Last evaluated: 2023-12-09. Review status: criteria provided, single submitter. Criteria: Invitae Variant Classification Sherloc (09022015). Collection method: clinical testing. Allele origin: germline.
Comment: This sequence change replaces glycine, which is neutral and non-polar, with serine, which is neutral and polar, at codon 493 of the SLC12A3 protein (p.Gly493Ser). This variant is present in population databases (rs200890260, gnomAD 0.007%). This missense change has been observed in individual(s) with SLC12A3-related conditions (PMID: 24790334). Advanced modeling of protein sequence and biophysical properties (such as structural, functional, and spatial information, amino acid conservation, physicochemical variation, residue mobility, and thermodynamic stability) has been performed at Invitae for this missense variant, however the output from this modeling did not meet the statistical confidence thresholds required to predict the impact of this variant on SLC12A3 protein function. In summary, the available evidence is currently insufficient to determine the role of this variant in disease. Therefore, it has been classified as a Variant of Uncertain Significance.

Literature cited by the submitters: PubMed 24790334 (cited by Labcorp Genetics (formerly Invitae), Labcorp).

NM_001126108.2(SLC12A3):c.1477G>A (p.Gly493Ser)

Gene: SLC12A3 (solute carrier family 12 member 3; plus strand). Cytogenetic location: 16q13.
Variant type: single nucleotide variant.
Coding change: c.1477G>A on transcript NM_001126108.2 (MANE Select); coding-DNA position 1477, G replaced by A.
Protein change: p.Gly493Ser; replaces glycine 493 with serine.
Molecular consequence: missense variant.
Genome position (GRCh38, 1-based): chr16:56,880,163, G>A. VCF-style: chr16-56880163-G-A. GRCh37 (hg19) VCF-style: chr16-56914075-G-A.
Other names: c.1477G>A, p.Gly493Ser (NM_000339.3); c.1474G>A, p.Gly492Ser (NM_001126107.2, NM_001410896.1); short protein forms G492S, G493S.
Identifiers: ClinVar variation 2910006 (VCV002910006.2), dbSNP rs200890260, ClinGen allele CA8069498.